The following is an entry in ClinVar:

ClinVar aggregate classification (germline): Uncertain significance (1 of 4 stars; one submission).

Submission:

Labcorp Genetics (formerly Invitae), Labcorp
Classification: Uncertain significance. Last evaluated: 2022-08-22. Review status: criteria provided, single submitter. Criteria: Invitae Variant Classification Sherloc (09022015). Collection method: clinical testing. Allele origin: germline.
Comment: In summary, the available evidence is currently insufficient to determine the role of this variant in disease. Therefore, it has been classified as a Variant of Uncertain Significance. Algorithms developed to predict the effect of missense changes on protein structure and function are either unavailable or do not agree on the potential impact of this missense change (SIFT: "Deleterious"; PolyPhen-2: "Probably Damaging"; Align-GVGD: "Class C15"). ClinVar contains an entry for this variant (Variation ID: 1444941). This variant has not been reported in the literature in individuals affected with ATF6-related conditions. This variant is not present in population databases (gnomAD no frequency). This sequence change replaces arginine, which is basic and polar, with glycine, which is neutral and non-polar, at codon 484 of the ATF6 protein (p.Arg484Gly).

NM_007348.4(ATF6):c.1450C>G (p.Arg484Gly)

Gene: ATF6 (activating transcription factor 6; plus strand). Cytogenetic location: 1q23.3.
Variant type: single nucleotide variant.
Coding change: c.1450C>G on transcript NM_007348.4 (MANE Select); coding-DNA position 1450, C replaced by G.
Protein change: p.Arg484Gly; replaces arginine 484 with glycine.
Molecular consequence: missense variant.
Genome position (GRCh38, 1-based): chr1:161,853,240, C>G. VCF-style: chr1-161853240-C-G. GRCh37 (hg19) VCF-style: chr1-161823030-C-G.
Other names: short protein forms R484G.
Identifiers: ClinVar variation 1444941 (VCV001444941.6), dbSNP rs889228888, ClinGen allele CA31725799.